The following is an entry in ClinVar:

ClinVar aggregate classification (germline): Conflicting classifications of pathogenicity. Review status: criteria provided, conflicting classifications (1 of 4 stars). 4 submissions from 4 submitters: Pathogenic (1); Likely pathogenic (1); Uncertain significance (2). Last evaluated 2026-08-05.

Conditions:
Familial thoracic aortic aneurysm and aortic dissection (TAAD). Also called: Thoracic aortic aneurysms and dissections. Identifiers: Orphanet 91387, MedGen C4707243, MONDO:0019625.
Arterial tortuosity syndrome (ATORS). Identifiers: Orphanet 3342, MedGen C1859726, MONDO:0008818, OMIM 208050.

Allele frequency attached by ClinVar (database versions not stated): gnomAD exomes 0.00001 and 0.00002; ExAC 0.00003; gnomAD 0.00003 and 0.00004; TOPMed 0.00005.
gnomAD v4.1: 24 of 1,613,970 alleles (0.0015%); highest among the groups gnomAD compares: African/African-American, 0.004%; no homozygotes.

Submissions (4):

Ambry Genetics
Classification: Uncertain significance for Familial thoracic aortic aneurysm and aortic dissection. Last evaluated: 2026-08-05. Review status: criteria provided, single submitter. Criteria: Ambry Variant Classification Scheme 2023. Collection method: clinical testing. Allele origin: germline.
Comment: The p.R105H variant (also known as c.314G>A), located in coding exon 2 of the SLC2A10 gene, results from a G to A substitution at nucleotide position 314. The arginine at codon 105 is replaced by histidine, an amino acid with highly similar properties. This variant has been identified in the homozygous state and/or in conjunction with other SLC2A10 variant(s) in individual(s) with features consistent with arterial tortuosity syndrome (Beyens A et al. Genet Med, 2018 10;20:1236-1245; Hardin JS et al. Ophthalmic Genet Jul;39:29-34). This amino acid position is highly conserved in available vertebrate species. In addition, this alteration is predicted to be deleterious by in silico analysis. Based on the available evidence, the clinical significance of this variant remains unclear.

Labcorp Genetics (formerly Invitae), Labcorp
Classification: Pathogenic for Arterial tortuosity syndrome. Last evaluated: 2025-10-03. Review status: criteria provided, single submitter. Criteria: Invitae Variant Classification Sherloc (09022015). Collection method: clinical testing. Allele origin: germline.
Comment: This sequence change replaces arginine, which is basic and polar, with histidine, which is basic and polar, at codon 105 of the SLC2A10 protein (p.Arg105His). This variant is present in population databases (rs753280877, gnomAD 0.01%), including at least one homozygous and/or hemizygous individual. This missense change has been observed in individuals with arterial tortuosity syndrome (PMID: 28726533, 29323665). ClinVar contains an entry for this variant (Variation ID: 213726). Invitae Evidence Modeling of protein sequence and biophysical properties (such as structural, functional, and spatial information, amino acid conservation, physicochemical variation, residue mobility, and thermodynamic stability) indicates that this missense variant is expected to disrupt SLC2A10 protein function with a positive predictive value of 95%. This variant disrupts the p.Arg105 amino acid residue in SLC2A10. Other variant(s) that disrupt this residue have been determined to be pathogenic (PMID: 18774132, 29323665; internal data). This suggests that this residue is clinically significant, and that variants that disrupt this residue are likely to be disease-causing. For these reasons, this variant has been classified as Pathogenic.

Shaine Morris Lab, Baylor College of Medicine
Classification: Likely pathogenic for Arterial tortuosity syndrome. Last evaluated: 2025-03-05. Review status: criteria provided, single submitter. Criteria: ACMG Guidelines, 2015. Collection method: clinical testing. Allele origin: paternal. Inheritance: Autosomal recessive inheritance. Affected: yes. Observed: 1 compound heterozygote.
Comment: We are submitting the c.314G>A variant in the SLC2A10 gene, located in exon 2, which results in the p.Arg105His amino acid substitution. This missense variant is suspected to impact protein function and has been previously reported in the literature (PMID 28726533). It is currently classified as conflicting interpretations of pathogenicity in ClinVar. Based on the clinical and molecular evidence in our study, we are submitting it as likely pathogenic. Supporting Evidence for Classification: We assigned the following criteria to this variant: PP3: The REVEL score of 0.922 is well above the threshold for predicting damaging effects, suggesting that the p.Arg105His substitution is likely disruptive to normal GLUT10 protein function. The presence of ATS-related phenotypic features supports the pathogenicity of the p.Arg105His variant. PP5: The variant has been previously described in the literature (PMID 28726533), supporting its association with SLC2A10-related disorders. Although prior ClinVar submissions have conflicting interpretations, our findings align with reports suggesting pathogenicity. PM2: The variant is rare in the general population, with a minor allele frequency (MAF) of 1.30E-05 in gnomAD. The presence of this variant in trans with another likely pathogenic variant in an affected individual increases the evidence for its pathogenicity. In conclusion, based on strong computational, clinical, and genetic evidence, we classify the c.314G>A (p.Arg105His) variant in SLC2A10 as likely pathogenic.

CeGaT Center for Human Genetics Tuebingen
Classification: Uncertain significance. Last evaluated: 2017-08-01. Review status: criteria provided, single submitter. Criteria: CeGaT Center For Human Genetics Tuebingen Variant Classification Criteria Version 2. Collection method: clinical testing. Allele origin: germline. Affected: yes. Observed: 1 variant allele.

Literature cited by the submitters: PubMed 28726533 (cited by 3 submitters); PubMed 29323665 (cited by 3 submitters); PubMed 33144682 (cited by Ambry Genetics); PubMed 18774132 (cited by Labcorp Genetics (formerly Invitae), Labcorp).

NM_030777.4(SLC2A10):c.314G>A (p.Arg105His)

Gene: SLC2A10 (solute carrier family 2 member 10; plus strand). Cytogenetic location: 20q13.12.
Variant type: single nucleotide variant.
Coding change: c.314G>A on transcript NM_030777.4 (MANE Select); coding-DNA position 314, G replaced by A.
Protein change: p.Arg105His; replaces arginine 105 with histidine.
Molecular consequence: missense variant.
Genome position (GRCh38, 1-based): chr20:46,725,350, G>A. VCF-style: chr20-46725350-G-A. GRCh37 (hg19) VCF-style: chr20-45353989-G-A.
Other names: short protein forms R105H.
Identifiers: ClinVar variation 213726 (VCV000213726.54), dbSNP rs753280877, ClinGen allele CA323937.
Genomic context (GRCh38, chr20:46,725,350, plus strand): 5'-TGCTGGCAGGCAGCCTGACCCTGGGCCTGGCTGGTTCCCTGGCCTGGCTGGTCCTGGGCC[G>A]CGCTGTGGTTGGCTTCGCCATTTCCCTCTCCTCCATGGCTTGCTGTATCTACGTGTCAGA-3'
Protein context (NP_110404.1, residues 95-115): AGSLAWLVLG[Arg105His]AVVGFAISLS